The following is an entry in ClinVar:

ClinVar aggregate classification (germline): Uncertain significance. Review status: criteria provided, multiple submitters, no conflicts (2 of 4 stars). 2 submissions from 2 submitters: Uncertain significance (2). Last evaluated 2024-01-03.

Conditions:
Dyskeratosis congenita, autosomal dominant 6 (DKCA6). Identifiers: Orphanet 3322, MedGen C4225284, MONDO:0014690, OMIM 616553.
Inborn genetic diseases. Identifiers: MedGen C0950123, MeSH D030342.

Allele frequency attached by ClinVar (database versions not stated): gnomAD 0.00001; TOPMed 0.00001.

Submissions (2):

Ambry Genetics
Classification: Uncertain significance for Inborn genetic diseases. Last evaluated: 2024-01-03. Review status: criteria provided, single submitter. Criteria: Ambry Variant Classification Scheme 2023. Collection method: clinical testing. Allele origin: germline.
Comment: The p.P61L variant (also known as c.182C>T), located in coding exon 1 of the ACD gene, results from a C to T substitution at nucleotide position 182. The proline at codon 61 is replaced by leucine, an amino acid with similar properties. This amino acid position is conserved. In addition, this alteration is predicted to be tolerated by in silico analysis. Since supporting evidence is limited at this time, the clinical significance of this alteration remains unclear.

Labcorp Genetics (formerly Invitae), Labcorp
Classification: Uncertain significance for Dyskeratosis congenita, autosomal dominant 6. Last evaluated: 2023-09-10. Review status: criteria provided, single submitter. Criteria: Invitae Variant Classification Sherloc (09022015). Collection method: clinical testing. Allele origin: germline.
Comment: This variant is present in population databases (no rsID available, gnomAD 0.0009%). In summary, the available evidence is currently insufficient to determine the role of this variant in disease. Therefore, it has been classified as a Variant of Uncertain Significance. An algorithm developed to predict the effect of missense changes on protein structure and function (PolyPhen-2) suggests that this variant is likely to be tolerated. ClinVar contains an entry for this variant (Variation ID: 1780920). This variant has not been reported in the literature in individuals affected with ACD-related conditions. This sequence change replaces proline, which is neutral and non-polar, with leucine, which is neutral and non-polar, at codon 61 of the ACD protein (p.Pro61Leu).

NC_000016.10:g.67660297G>A

Gene: ACD (ACD shelterin complex subunit and telomerase recruitment factor; minus strand). Cytogenetic location: 16q22.1.
Variant type: single nucleotide variant.
Genome position: GRCh38 VCF-style: chr16-67660297-G-A. GRCh37 (hg19) VCF-style: chr16-67694200-G-A.
Other names: short protein forms P61L.
Identifiers: ClinVar variation 1780920 (VCV001780920.5), dbSNP rs1179431836, ClinGen allele CA396359485.